The following is an entry in ClinVar:

NM_000350.3(ABCA4):c.2827C>T (p.Arg943Trp)

Gene: ABCA4 (ATP binding cassette subfamily A member 4; minus strand). Cytogenetic location: 1p22.1.
Variant type: single nucleotide variant.
Coding change: c.2827C>T on transcript NM_000350.3 (MANE Select); coding-DNA position 2827, C replaced by T.
Protein change: p.Arg943Trp; replaces arginine 943 with tryptophan.
Molecular consequence: missense variant.
Genome position (GRCh38, 1-based): chr1:94,047,010, G>A on the plus strand (C>T on the coding strand, the complement: ABCA4 is on the minus strand). VCF-style: chr1-94047010-G-A. GRCh37 (hg19) VCF-style: chr1-94512566-G-A.
Other names: c.2605C>T, p.Arg869Trp (NM_001425324.1); short protein forms R943W, R869W.
Identifiers: ClinVar variation 99162 (VCV000099162.54), dbSNP rs61749446, ClinGen allele CA227037.

ClinVar aggregate classification (germline): Pathogenic/Likely pathogenic. Review status: criteria provided, multiple submitters, no conflicts (2 of 4 stars). 8 submissions from 8 submitters: Pathogenic (3); Likely pathogenic (4). 1 of the submissions does not count toward it. Last evaluated 2026-03-17.

Conditions:
ABCA4-related disorder. Also called: ABCA4-related disorders; ABCA4-related condition. Identifiers: MedGen CN239167.
Age related macular degeneration 2. Also called: MACULAR DEGENERATION, SENILE; MACULOPATHY, AGE-RELATED, 2; MACULOPATHY, AGE-RELATED. Identifiers: MedGen C3495438, MONDO:0007932, OMIM 153800.
Severe early-childhood-onset retinal dystrophy (STGD1). Also called: MACULAR DYSTROPHY WITH FLECKS, TYPE 1; STGD; Stargardt macular dystrophy; Juvenile onset macular degeneration; Stargardt disease 1. Identifiers: Orphanet 364055, Orphanet 827, MedGen C1855465, MeSH D000080362, MONDO:0009549, OMIM 248200.
Retinitis pigmentosa 19 (RP19). Also called: ABCA4-Related Retinitis Pigmentosa. Identifiers: Orphanet 791, MedGen C1866422, MONDO:0011137, OMIM 601718.
Cone-rod dystrophy 3 (CORD3). Identifiers: Orphanet 1872, MedGen C1858806, MONDO:0011395, OMIM 604116.
Stargardt disease (FFM). Also called: Fundus flavimaculatus; Stargardt's disease. Identifiers: Orphanet 827, MedGen C0271093, MONDO:0019353.

Allele frequency attached by ClinVar (database versions not stated): gnomAD 0.00002 and 0.00003; TOPMed 0.00003; ExAC 0.00005; ESP Exome Variant Server 0.00008; gnomAD exomes 0.00008; 1000 Genomes Project 30x 0.00016; 1000 Genomes Project 0.00020.
gnomAD v4.1: 72 of 1,614,104 alleles (0.0045%); highest among the groups gnomAD compares: East Asian, 0.033%; no homozygotes.

Submissions (8):

PreventionGenetics, part of Exact Sciences
Classification: Likely pathogenic for ABCA4-related condition. Last evaluated: 2026-03-17. Review status: criteria provided, single submitter. Criteria: ACMG Guidelines, 2015. Collection method: clinical testing. Allele origin: germline.
Comment: The ABCA4 c.2827C>T variant is predicted to result in the amino acid substitution p.Arg943Trp. This variant has been reported along with a second ABCA4 variant in multiple individuals with autosomal recessive Stargardt disease or ABCA4-related retinal disease (Lewis et al. 1999. PubMed ID: 9973280; Briggs et al. 2001. PubMed ID: 11527935; Patient 31, Table S2, Sung et al. 2020. PubMed ID: 33261146; Table S1, Weisschuh et al. 2020. PubMed ID: 32531858). Of note, an alternate substitution of this same amino acid residue, p.Arg943Gln, is reported with a very high minor allele frequency (4.2% of alleles in individuals of South Asian descent in gnomAD), and therefore we interpret it as benign. This p.Arg943Trp variant, on the other hand, is reported in 0.054% of alleles in individuals of East Asian descent in gnomAD. Given all the evidence, we interpret c.2827C>T (p.Arg943Trp) as likely pathogenic.

Labcorp Genetics (formerly Invitae), Labcorp
Classification: Pathogenic. Last evaluated: 2026-01-09. Review status: criteria provided, single submitter. Criteria: Invitae Variant Classification Sherloc (09022015). Collection method: clinical testing. Allele origin: germline.
Comment: This sequence change replaces arginine, which is basic and polar, with tryptophan, which is neutral and slightly polar, at codon 943 of the ABCA4 protein (p.Arg943Trp). This variant is present in population databases (rs61749446, gnomAD 0.05%). This missense change has been observed in individual(s) with retinitis pigmentosa and/or Stargardt disease (PMID: 9973280, 11379881, 11527935, 31884623, 33261146, 33301772). In at least one individual the data is consistent with being in trans (on the opposite chromosome) from a pathogenic variant. ClinVar contains an entry for this variant (Variation ID: 99162). Invitae Evidence Modeling of protein sequence and biophysical properties (such as structural, functional, and spatial information, amino acid conservation, physicochemical variation, residue mobility, and thermodynamic stability) indicates that this missense variant is expected to disrupt ABCA4 protein function with a positive predictive value of 95%. For these reasons, this variant has been classified as Pathogenic.

Dasa
Classification: Likely pathogenic. Last evaluated: 2025-12-27. Review status: criteria provided, single submitter. Criteria: DASA Assertion Criteria. Collection method: clinical testing. Allele origin: germline.
Comment: NM_000350.3(ABCA4):c.2827C>T (p.Arg943Trp) is a missense variant that results in the substitution of arginine with tryptophan. This variant has been recurrently observed in individuals with ABCA4-related disorders (PMID: 11527935; PMID: 32531858; PMID: 33301772; PMID: 9973280; PMID: 33261146). Also, this variant is rare in population databases. Computational evidence supports a deleterious effect. Based on the currently available evidence, this variant is classified as likely pathogenic.

Blueprint Genetics
Classification: Pathogenic for ABCA4-related disorders. Last evaluated: 2024-06-12. Review status: criteria provided, single submitter. Criteria: ACMG Guidelines, 2015. Collection method: clinical testing. Allele origin: germline. Affected: yes. Observed: 5 variant alleles.

Women's Health and Genetics/Laboratory Corporation of America, LabCorp
Classification: Likely pathogenic for Stargardt disease. Last evaluated: 2023-08-03. Review status: criteria provided, single submitter. Criteria: LabCorp Variant Classification Summary - May 2015. Collection method: clinical testing. Allele origin: germline.
Comment: Variant summary: ABCA4 c.2827C>T (p.Arg943Trp) results in a non-conservative amino acid change located in the ABC transporter-like, ATP-binding domain (IPR003439) of the encoded protein sequence. Five of five in-silico tools predict a damaging effect of the variant on protein function. The variant allele was found at a frequency of 8e-05 in 251418 control chromosomes. This frequency is not significantly higher than estimated for a pathogenic variant in ABCA4 causing Stargardt Disease (8e-05 vs 0.0014), allowing no conclusion about variant significance. c.2827C>T has been reported in the literature in multiple compound heterozygous individuals affected with Stargardt Disease (e.g., Briggs_2001, Weisschuh_2020, Sun_2021, Huang_2022) and retinitis pigmentosa (e.g., Sung_2020). These data indicate that the variant is likely to be associated with disease. To our knowledge, no experimental evidence demonstrating an impact on protein function has been reported. The following publications have been ascertained in the context of this evaluation (PMID: 11527935, 26992781, 9973280, 33301772, 33261146, 32531858, 11379881, 36209838). Three submitters have reported clinical-significance assessments for this variant to ClinVar after 2014 with conflicting assessments (pathogenic, n = 2; uncertain significance, n = 1). Based on the evidence outlined above, the variant was classified as likely pathogenic.

CeGaT Center for Human Genetics Tuebingen
Classification: Pathogenic. Last evaluated: 2023-05-01. Review status: criteria provided, single submitter. Criteria: CeGaT Center For Human Genetics Tuebingen Variant Classification Criteria Version 2. Collection method: clinical testing. Allele origin: germline. Affected: yes. Observed: 2 variant alleles.
Comment: ABCA4: PM3:Very Strong, PM1, PM2

Juno Genomics, Hangzhou Juno Genomics, Inc
Classification: Likely pathogenic for Age related macular degeneration 2; Cone-rod dystrophy 3; Severe early-childhood-onset retinal dystrophy; Retinitis pigmentosa 19. Review status: criteria provided, single submitter. Criteria: ACMG Guidelines, 2015. Collection method: clinical testing. Allele origin: germline.
Comment: Absent from controls (or at extremely low frequency if recessive) in Genome Aggregation Database.;Multiple lines of computational evidence support a deleterious effect on the gene or gene product.;For recessive disorders, detected in trans with a pathogenic variant.;Patient's phenotype or family history is highly specific for a disease with a single genetic etiology.

Retina International
No classification provided. Review status: no classification provided. Collection method: not provided. Allele origin: not provided. Not counted in ClinVar's aggregate classification.

Literature cited by the submitters: PubMed 9973280 (cited by 3 submitters); PubMed 11379881 (cited by Labcorp Genetics (formerly Invitae), Labcorp and Women's Health and Genetics/Laboratory Corporation of America, LabCorp); PubMed 11527935 (cited by 3 submitters); PubMed 31884623 (cited by Labcorp Genetics (formerly Invitae), Labcorp); PubMed 33261146 (cited by 3 submitters); PubMed 33301772 (cited by 3 submitters); PubMed 32531858 (cited by Dasa and Women's Health and Genetics/Laboratory Corporation of America, LabCorp); PubMed 29343940 (cited by Dasa); PubMed 26992781 (cited by Women's Health and Genetics/Laboratory Corporation of America, LabCorp); PubMed 36209838 (cited by Women's Health and Genetics/Laboratory Corporation of America, LabCorp).